The following is an entry in ClinVar:

NM_001330260.2(SCN8A):c.980G>C (p.Ser327Thr)

Gene: SCN8A (sodium voltage-gated channel alpha subunit 8; plus strand). Cytogenetic location: 12q13.13.
Variant type: single nucleotide variant.
Coding change: c.980G>C on transcript NM_001330260.2 (MANE Select); coding-DNA position 980, G replaced by C.
Protein change: p.Ser327Thr; replaces serine 327 with threonine.
Molecular consequence: missense variant.
Genome position (GRCh38, 1-based): chr12:51,701,195, G>C. VCF-style: chr12-51701195-G-C. GRCh37 (hg19) VCF-style: chr12-52094979-G-C.
Other names: c.980G>C, p.Ser327Thr (NM_001177984.3, NM_001369788.1, NM_014191.4); short protein forms S327T.
Identifiers: ClinVar variation 1801910 (VCV001801910.1), dbSNP rs763389783, ClinGen allele CA6571184.
Genomic context (GRCh38, chr12:51,701,195, plus strand): 5'-CTTTTCTAGCAAATTTCTACACAGTTCCTGGCATGCTGGAACCTTTACTCTGTGGGAACA[G>C]TTCTGATGCTGGGTAAGTAGCTCACCTAGTTTTATTCTCTTTCCTTAAAATAATGTACCT-3'
Protein context (NP_001317189.1, residues 317-337): GMLEPLLCGN[Ser327Thr]SDAGQCPEGY

ClinVar aggregate classification (germline): Uncertain significance (1 of 4 stars; one submission).

Allele frequency attached by ClinVar (database versions not stated): ExAC 0.00001.

Submission:

GeneDx
Classification: Uncertain significance. Last evaluated: 2022-06-03. Review status: criteria provided, single submitter. Criteria: GeneDx Variant Classification Process June 2021. Collection method: clinical testing. Allele origin: germline. Affected: yes.
Comment: Not observed at significant frequency in large population cohorts (gnomAD); Missense variants in this gene are often considered pathogenic (HGMD); In silico analysis supports that this missense variant has a deleterious effect on protein structure/function; Has not been previously published as pathogenic or benign to our knowledge; Extracellular loop between the S5 and S6 transmembrane segments of the first homologous domain